The following is an entry in ClinVar:

NM_001048174.2(MUTYH):c.395A>G (p.Gln132Arg)

Gene: MUTYH (mutY DNA glycosylase; minus strand). Cytogenetic location: 1p34.1.
Variant type: single nucleotide variant.
Coding change: c.395A>G on transcript NM_001048174.2 (MANE Select); coding-DNA position 395, A replaced by G.
Protein change: p.Gln132Arg; replaces glutamine 132 with arginine.
Molecular consequence: missense variant. On other transcripts: non-coding transcript variant (2).
Genome position (GRCh38, 1-based): chr1:45,332,943, T>C on the plus strand (A>G on the coding strand, the complement: MUTYH is on the minus strand). VCF-style: chr1-45332943-T-C. GRCh37 (hg19) VCF-style: chr1-45798615-T-C.
Other names: c.395A>G, p.Gln132Arg (NM_001048171.2, NM_001048173.2, NM_001293195.2); c.398A>G, p.Gln133Arg (NM_001048172.2); c.479A>G, p.Gln160Arg (NM_001128425.2); c.440A>G, p.Gln147Arg (NM_001293190.2); c.428A>G, p.Gln143Arg (NM_001293191.2); c.119A>G, p.Gln40Arg (NM_001293192.2, NM_001293196.2); c.50A>G, p.Gln17Arg (NM_001350650.2, NM_001350651.2); c.470A>G, p.Gln157Arg (NM_012222.3); short protein forms Q160R, Q133R, Q157R, Q40R, Q143R, Q17R, Q132R, Q147R.
Identifiers: ClinVar variation 481806 (VCV000481806.16), dbSNP rs1212933615, ClinGen allele CA340135979.

ClinVar aggregate classification (germline): Conflicting classifications of pathogenicity. Review status: criteria provided, conflicting classifications (1 of 4 stars). 3 submissions from 3 submitters: Uncertain significance (2); Likely benign (1). Last evaluated 2025-09-17.

Conditions:
Hereditary cancer-predisposing syndrome. Also called: Hereditary neoplastic syndrome; Hereditary Cancer Syndrome; Neoplastic Syndromes, Hereditary; Tumor predisposition. Identifiers: Orphanet 140162, MedGen C0027672, MeSH D009386, MONDO:0015356.
Familial adenomatous polyposis 2. Also called: MYH-associated polyposis; COLORECTAL ADENOMATOUS POLYPOSIS, AUTOSOMAL RECESSIVE; ADENOMAS, MULTIPLE COLORECTAL, AUTOSOMAL RECESSIVE; MUTYH-related attenuated familial adenomatous polyposis; Adenomas, multiple colorectal; FAP type 2. Identifiers: Orphanet 220460, Orphanet 247798, MedGen C3272841, MONDO:0012041, OMIM 608456.

Allele frequency attached by ClinVar (database versions not stated): gnomAD exomes below 0.00001; gnomAD 0.00001 and 0.00003.
gnomAD v4.1: 3 of 1,613,986 alleles (0.00019%); highest among the groups gnomAD compares: East Asian, 0.0022%; no homozygotes.

Submissions (3):

Ambry Genetics
Classification: Likely benign for Hereditary cancer-predisposing syndrome. Last evaluated: 2025-09-17. Review status: criteria provided, single submitter. Criteria: Ambry Variant Classification Scheme 2023. Collection method: clinical testing. Allele origin: germline.

Labcorp Genetics (formerly Invitae), Labcorp
Classification: Uncertain significance for Familial adenomatous polyposis 2. Last evaluated: 2023-05-07. Review status: criteria provided, single submitter. Criteria: Invitae Variant Classification Sherloc (09022015). Collection method: clinical testing. Allele origin: germline.
Comment: This variant is present in population databases (no rsID available, gnomAD 0.0009%). In summary, the available evidence is currently insufficient to determine the role of this variant in disease. Therefore, it has been classified as a Variant of Uncertain Significance. Algorithms developed to predict the effect of missense changes on protein structure and function output the following: SIFT: "Not Available"; PolyPhen-2: "Benign"; Align-GVGD: "Not Available". The arginine amino acid residue is found in multiple mammalian species, which suggests that this missense change does not adversely affect protein function. ClinVar contains an entry for this variant (Variation ID: 481806). This variant has not been reported in the literature in individuals affected with MUTYH-related conditions. This sequence change replaces glutamine, which is neutral and polar, with arginine, which is basic and polar, at codon 160 of the MUTYH protein (p.Gln160Arg).

Mendelics
Classification: Uncertain significance for MYH-associated polyposis. Last evaluated: 2018-07-02. Review status: criteria provided, single submitter. Criteria: Mendelics Assertion Criteria 2017. Collection method: clinical testing. Allele origin: unknown.